The following is an entry in ClinVar:

ClinVar aggregate classification (germline): Uncertain significance. Review status: reviewed by expert panel (3 of 4 stars). 2 submissions from 2 submitters: Uncertain significance (1). 1 of the submissions does not count toward it. Last evaluated 2024-10-29.

Conditions:
Hereditary thrombocytopenia and hematologic cancer predisposition syndrome. Identifiers: Orphanet 71290, MedGen CN281654, MONDO:0011071.
Hereditary thrombocytopenia and hematological cancer predisposition syndrome associated with RUNX1. Also called: Familial Platelet Disorder with Propensity to Acute Myelogenous Leukemia; Familial thrombocytopenia with propensity to acute myelogenous leukemia; RUNX1 Familial Platelet Disorder with Associated Myeloid Malignancies; PLATELET DISORDER, ASPIRIN-LIKE. Identifiers: Orphanet 71290, MedGen C1832388, MeSH C563324, MONDO:0100083, OMIM 601399.

Submissions (2):

ClinGen Myeloid Malignancy Variant Curation Expert Panel
Classification: Uncertain significance for Hereditary thrombocytopenia and hematologic cancer predisposition syndrome. Last evaluated: 2024-10-29. Review status: reviewed by expert panel. Criteria: ClinGen MyeloMalig ACMG Specifications v2. Collection method: curation. Allele origin: germline. Inheritance: Autosomal dominant inheritance.
Comment: NM_001754.5(RUNX1):c.156G>A (p.Met52Ile) is a missense variant which is completely absent from all population databases with at least 20x coverage for RUNX1 (PM2_Supporting). In summary, the clinical significance of this variant is uncertain. ACMG/AMP criteria applied, as specified by the Myeloid Malignancy Variant Curation Expert Panel for RUNX1: PM2_supporting.

Labcorp Genetics (formerly Invitae), Labcorp
Classification: Uncertain significance for Hereditary thrombocytopenia and hematological cancer predisposition syndrome associated with RUNX1. Last evaluated: 2017-08-25. Review status: criteria provided, single submitter. Criteria: Invitae Variant Classification Sherloc (09022015). Collection method: clinical testing. Allele origin: germline. Not counted in ClinVar's aggregate classification.
Comment: This sequence change replaces methionine with isoleucine at codon 52 of the RUNX1 protein (p.Met52Ile). The methionine residue is moderately conserved and there is a small physicochemical difference between methionine and isoleucine. This variant is not present in population databases (ExAC no frequency). This variant has not been reported in the literature in individuals with RUNX1-related disease. Algorithms developed to predict the effect of missense changes on protein structure and function do not agree on the potential impact of this missense change (SIFT: "Tolerated"; PolyPhen-2: "Probably Damaging"; Align-GVGD: "Class C0"). In summary, the available evidence is currently insufficient to determine the role of this variant in disease. Therefore, it has been classified as a Variant of Uncertain Significance.

NM_001754.5(RUNX1):c.156G>A (p.Met52Ile)

Gene: RUNX1 (RUNX family transcription factor 1; minus strand). Cytogenetic location: 21q22.12.
Variant type: single nucleotide variant.
Coding change: c.156G>A on transcript NM_001754.5 (MANE Select); coding-DNA position 156, G replaced by A.
Protein change: p.Met52Ile; replaces methionine 52 with isoleucine.
Molecular consequence: missense variant.
Genome position (GRCh38, 1-based): chr21:34,887,038, C>T on the plus strand (G>A on the coding strand, the complement: RUNX1 is on the minus strand). VCF-style: chr21-34887038-C-T. GRCh37 (hg19) VCF-style: chr21-36259335-C-T.
Other names: NM_001754.5(RUNX1):c.156G>A; p.Met52Ile; c.75G>A, p.Met25Ile (NM_001001890.3, NM_001122607.2); short protein forms M52I, M25I.
Identifiers: ClinVar variation 532668 (VCV000532668.9), dbSNP rs1555899861, ClinGen allele CA410204095.